The following is an entry in ClinVar:

NM_015158.5(KANK1):c.1535T>C (p.Phe512Ser)

Gene: KANK1 (KN motif and ankyrin repeat domains 1; plus strand). Cytogenetic location: 9p24.3.
Variant type: single nucleotide variant.
Coding change: c.1535T>C on transcript NM_015158.5 (MANE Select); coding-DNA position 1535, T replaced by C.
Protein change: p.Phe512Ser; replaces phenylalanine 512 with serine.
Molecular consequence: missense variant. On other transcripts: non-coding transcript variant (1).
Genome position (GRCh38, 1-based): chr9:712,301, T>C. VCF-style: chr9-712301-T-C. GRCh37 (hg19) VCF-style: chr9-712301-T-C.
Other names: c.1535T>C (NM_015158.2); c.1535T>C, p.Phe512Ser (NM_001256876.3, NM_001256877.3, NM_001354331.2 and 2 more transcripts); c.1061T>C, p.Phe354Ser (NM_001354333.2, NM_001354335.2, NM_001354336.2 and 9 more transcripts); short protein forms F354S, F512S.
Identifiers: ClinVar variation 2890924 (VCV002890924.4), dbSNP rs1009897961, ClinGen allele CA187837245.

ClinVar aggregate classification (germline): Uncertain significance. Review status: criteria provided, multiple submitters, no conflicts (2 of 4 stars). 2 submissions from 2 submitters: Uncertain significance (2). Last evaluated 2025-12-02.

Allele frequency attached by ClinVar (database versions not stated): gnomAD exomes below 0.00001; gnomAD 0.00001; TOPMed 0.00002.
gnomAD v4.1: 4 of 1,614,044 alleles (0.00025%); highest among the groups gnomAD compares: Non-Finnish European, 0.00025%; no homozygotes.

Submissions (2):

Ambry Genetics
Classification: Uncertain significance. Last evaluated: 2025-12-02. Review status: criteria provided, single submitter. Criteria: Ambry Variant Classification Scheme 2023. Collection method: clinical testing. Allele origin: germline.

Labcorp Genetics (formerly Invitae), Labcorp
Classification: Uncertain significance. Last evaluated: 2024-04-13. Review status: criteria provided, single submitter. Criteria: Invitae Variant Classification Sherloc (09022015). Collection method: clinical testing. Allele origin: germline.
Comment: This sequence change replaces phenylalanine, which is neutral and non-polar, with serine, which is neutral and polar, at codon 512 of the KANK1 protein (p.Phe512Ser). This variant is not present in population databases (gnomAD no frequency). This variant has not been reported in the literature in individuals affected with KANK1-related conditions. Advanced modeling of protein sequence and biophysical properties (such as structural, functional, and spatial information, amino acid conservation, physicochemical variation, residue mobility, and thermodynamic stability) performed at Invitae indicates that this missense variant is not expected to disrupt KANK1 protein function with a negative predictive value of 80%. In summary, the available evidence is currently insufficient to determine the role of this variant in disease. Therefore, it has been classified as a Variant of Uncertain Significance.